The following is an entry in ClinVar:

ClinVar aggregate classification (germline): Uncertain significance (1 of 4 stars; one submission).

Submission:

Labcorp Genetics (formerly Invitae), Labcorp
Classification: Uncertain significance. Last evaluated: 2024-01-15. Review status: criteria provided, single submitter. Criteria: Invitae Variant Classification Sherloc (09022015). Collection method: clinical testing. Allele origin: germline.
Comment: This variant, c.1086_1087ins30, results in the insertion of 10 amino acid(s) of the PCLO protein (p.Pro362_Ala363ins10), but otherwise preserves the integrity of the reading frame. The frequency data for this variant in the population databases is considered unreliable, as metrics indicate poor data quality at this position in the gnomAD database. This variant has not been reported in the literature in individuals affected with PCLO-related conditions. ClinVar contains an entry for this variant (Variation ID: 1447860). Experimental studies and prediction algorithms are not available or were not evaluated, and the functional significance of this variant is currently unknown. In summary, the available evidence is currently insufficient to determine the role of this variant in disease. Therefore, it has been classified as a Variant of Uncertain Significance.

NM_033026.6(PCLO):c.1086_1087insACTCAGCCTCTTGGTCCTGCTAAGCCTCCA (p.Pro362_Ala363insThrGlnProLeuGlyProAlaLysProPro)

Gene: PCLO (piccolo presynaptic cytomatrix protein; minus strand). Cytogenetic location: 7q21.11.
Variant type: Insertion.
Coding change: c.1086_1087insACTCAGCCTCTTGGTCCTGCTAAGCCTCCA on transcript NM_033026.6 (MANE Select); coding-DNA positions 1086 to 1087, ACTCAGCCTCTTGGTCCTGCTAAGCCTCCA inserted.
Protein change: p.Pro362_Ala363insThrGlnProLeuGlyProAlaLysProPro.
Molecular consequence: inframe insertion.
Genome position: GRCh38 VCF-style: chr7-83155554-C-CTGGAGGCTTAGCAGGACCAAGAGGCTGAGT. GRCh37 (hg19) VCF-style: chr7-82784870-C-CTGGAGGCTTAGCAGGACCAAGAGGCTGAGT.
Other names: c.1086_1087insACTCAGCCTCTTGGTCCTGCTAAGCCTCCA, p.Pro362_Ala363insThrGlnProLeuGlyProAlaLysProPro (NM_014510.3).
Identifiers: ClinVar variation 1447860 (VCV001447860.9), dbSNP rs778634569, ClinGen allele CA4321524.